The following is an entry in ClinVar:

GRCh38/hg38 1q21.2(chr1:149873564-150161325)x1

Genes: BOLA1 (bolA family member 1; plus strand), H2AC20 (H2A clustered histone 20; plus strand), H2AC21 (H2A clustered histone 21; minus strand), H2BC21 (H2B clustered histone 21; minus strand), LINC02988 (long independently transcribed non-coding RNA 2988; plus strand) and 23 more. Cytogenetic location: 1q21.2.
Variant type: copy number loss.
Change: copy number 1 (one copy instead of two) of chr1:149,873,564-150,161,325 (287.8 kb, GRCh38 coordinates, 1-based), cytogenetic band 1q21.2.
Identifiers: ClinVar variation 4888362 (VCV004888362.1).

ClinVar aggregate classification (germline): Pathogenic (1 of 4 stars; one submission).

Conditions:
Nager syndrome (AFD1). Also called: MANDIBULOFACIAL DYSOSTOSIS, TREACHER COLLINS TYPE, WITH LIMB ANOMALIES; Nager acrofacial dysostosis; Nager acrofacial dysostosis syndrome; Acrofacial Dysostosis 1, Nager Type. Identifiers: Orphanet 245, MedGen C0265245, MONDO:0007943, OMIM 154400.

Submission:

New York Genome Center
Classification: Pathogenic for Nager syndrome. Last evaluated: 2023-12-21. Review status: criteria provided, single submitter. Criteria: NYGC Assertion Criteria 2020. Collection method: clinical testing. Allele origin: de novo. Affected: yes. Observed: 1 variant allele.
Comment: The de novo ~285kb deletion is an interstitial deletion on the long arm of chromosome 1 (1q21.2); chr1:(149870157_149873564)_150161325del. This deletion contains 9 MIM associated genes, two of which (SF3B4 and VPS45) are MIM disease associated. Vacuolar Protein Sorting 45 Homolog (VPS45; MIM#610035) is associated with autosomal recessive Neutropenia, severe congenital (MIM#615285). Splicing factor 3B, Subunit 4 (SF3B4; MIM#605593) is a component of splicing factor 3B, which is an RNA binding protein that is involved in splicing. Pathogenic loss of function variants in SF3B4 are associated with autosomal dominant Acrofacial dysostosis 1, Nager type(MIM#15440). Haploinsufficiency of SF3B4 is the mechanism of disease. The 1q21.1 de novo deletion is absent from population databases (Database of Genomic Variation, gnomADv4.0.0 CNVs), and deletions of SF3B4 are also absent, suggesting that these is not common benign variants in the populations represented in those databases. While this exact deletion is absent from ClinVar, a similar deletion containing the coding region of SF3B4 (not including the 3’UTR) as well as MTMR11, OTUD7B, VPS45, and part of PLEKHO1 is reported there as Pathogenic (VarID:393786). To our knowledge the exact deletion identified here as not been reported in affected individuals in the literature, however a slightly larger deletion containing SF3B4 and VPS45 has been reported previously in a fetus with Nager syndrome. Loss of function is the known mechanism for SF3B4 associated Acrofacial dysostosis, Nager type and many additional loss of function variants have been reported in affected individuals in the literature [PMID:23568615]. Given the absence of this variant in population databases, its presence de novo and reports of similar deletions in the literature, the ~285kb 1q21.1 deletion is reported as Pathogenic.